The following is an entry in ClinVar:

NM_000350.3(ABCA4):c.45G>A (p.Trp15Ter)

Gene: ABCA4 (ATP binding cassette subfamily A member 4; minus strand). Cytogenetic location: 1p22.1.
Variant type: single nucleotide variant.
Coding change: c.45G>A on transcript NM_000350.3 (MANE Select); coding-DNA position 45, G replaced by A.
Protein change: p.Trp15Ter; replaces tryptophan 15 with a stop codon.
Molecular consequence: nonsense.
Genome position (GRCh38, 1-based): chr1:94,121,001, C>T on the plus strand (G>A on the coding strand, the complement: ABCA4 is on the minus strand). VCF-style: chr1-94121001-C-T. GRCh37 (hg19) VCF-style: chr1-94586557-C-T.
Other names: NM_000350.3(ABCA4):c.45G>A; p.Trp15Ter; c.45G>A, p.Trp15Ter (NM_001425324.1); short protein forms W15*.
Identifiers: ClinVar variation 99305 (VCV000099305.52), dbSNP rs62645957, ClinGen allele CA227220.

ClinVar aggregate classification (germline): Pathogenic. Review status: reviewed by expert panel (3 of 4 stars). 7 submissions from 6 submitters: Pathogenic (1). 6 of the submissions do not count toward it. Last evaluated 2025-12-05.

Conditions:
ABCA4-related retinopathy. Also called: ABCA4-related retinoapthy; ABCA4 retinoapthy. Identifiers: MedGen CN322612, MONDO:0800406.
ABCA4-related disorder. Also called: ABCA4-related condition; ABCA4-related disorders. Identifiers: MedGen CN239167.
Retinal dystrophy. Also called: Inherited retinal dystrophy. Identifiers: Orphanet 71862, MedGen C0854723, MeSH D058499, MONDO:0019118, HP:0000556.
Severe early-childhood-onset retinal dystrophy (STGD1). Also called: MACULAR DYSTROPHY WITH FLECKS, TYPE 1; STGD; Stargardt macular dystrophy; Juvenile onset macular degeneration; Stargardt disease 1. Identifiers: Orphanet 364055, Orphanet 827, MedGen C1855465, MeSH D000080362, MONDO:0009549, OMIM 248200.

Allele frequency attached by ClinVar (database versions not stated): gnomAD exomes below 0.00001; TOPMed 0.00001.
gnomAD v4.1: 2 of 1,607,906 alleles (0.00012%); highest among the groups gnomAD compares: Non-Finnish European, 0.00017%; no homozygotes.

Submissions (7):

ClinGen ABCA4 Variant Curation Expert Panel, Clingen
Classification: Pathogenic for ABCA4-related retinopathy. Last evaluated: 2025-12-05. Review status: reviewed by expert panel. Criteria: ClinGen ABCA4 ACMG Specifications V1.0.0. Collection method: curation. Allele origin: germline. Inheritance: Autosomal recessive inheritance.
Comment: The NM_000350.3:c.45G>A (p.Trp15Ter) variant in ABCA4 is a nonsense variant predicted to cause a premature stop codon in biologically relevant exon 1/50 leading to nonsense mediated decay in a gene in which loss-of-function is an established disease mechanism (PVS1). The total minor allele frequency in gnomAD v4.1.0 is 0.000001244 (2/1607906 alleles), which is lower than the ClinGen ABCA4 VCEP’s threshold for PM2_Supporting (<0.0001), meeting this criterion (PM2_Supporting). The prevalence of the variant in affected individuals is significantly increased compared with the prevalence in controls with an OR is 131.2 and the CI is 19.05 to 5442.73, which is above the ABCA4 VCEP threshold of ≥5, where the CI does not contain 1 (PS4; PMID: 35120629). In summary, this variant meets the criteria to be classified as Pathogenic for ABCA4-related retinopathy based on the ACMG/AMP criteria applied, as specified by the ClinGen ABCA4 VCEP (v1.0.0): PVS1, PS4, PM2_Supporting.

CeGaT Center for Human Genetics Tuebingen
Classification: Pathogenic. Last evaluated: 2026-04-01. Review status: criteria provided, single submitter. Criteria: CeGaT Center For Human Genetics Tuebingen Variant Classification Criteria Version 2. Collection method: clinical testing. Allele origin: germline. Affected: yes. Observed: 3 variant alleles. Not counted in ClinVar's aggregate classification.
Comment: ABCA4: PM3:Very Strong, PM2, PVS1:Moderate

Labcorp Genetics (formerly Invitae), Labcorp
Classification: Pathogenic. Last evaluated: 2024-09-30. Review status: criteria provided, single submitter. Criteria: Invitae Variant Classification Sherloc (09022015). Collection method: clinical testing. Allele origin: germline. Not counted in ClinVar's aggregate classification.
Comment: This sequence change creates a premature translational stop signal (p.Trp15*) in the ABCA4 gene. It is expected to result in an absent or disrupted protein product. Loss-of-function variants in ABCA4 are known to be pathogenic (PMID: 10958761, 24938718, 25312043, 26780318). This variant is present in population databases (rs62645957, gnomAD 0.0009%). This premature translational stop signal has been observed in individual(s) with ABCA4-related retinal disease (PMID: 29555955, 29925512). ClinVar contains an entry for this variant (Variation ID: 99305). For these reasons, this variant has been classified as Pathogenic.

Blueprint Genetics
Classification: Pathogenic for ABCA4-related disorders. Last evaluated: 2023-12-14. Review status: criteria provided, single submitter. Criteria: ACMG Guidelines, 2015. Collection method: clinical testing. Allele origin: germline. Affected: yes. Observed: 3 variant alleles. Not counted in ClinVar's aggregate classification.

Institute of Human Genetics, Univ. Regensburg, Univ. Regensburg
Classification: Pathogenic for Retinal dystrophy. Last evaluated: 2022-01-01. Review status: criteria provided, single submitter. Criteria: ACMG Guidelines, 2015. Collection method: clinical testing. Allele origin: germline. Affected: yes. Not counted in ClinVar's aggregate classification.

Institute of Human Genetics, Univ. Regensburg, Univ. Regensburg
Classification: Pathogenic for Severe early-childhood-onset retinal dystrophy. Last evaluated: 2016-01-01. Review status: criteria provided, single submitter. Criteria: Schulz et al. (Invest Ophthalmol Vis Sci. 2017). Collection method: clinical testing. Allele origin: germline. Affected: yes. Observed: 2 heterozygotes. Not counted in ClinVar's aggregate classification.

Retina International
No classification provided. Review status: no classification provided. Collection method: not provided. Allele origin: not provided. Not counted in ClinVar's aggregate classification.

Literature cited by the submitters: PubMed 10958761 (cited by Labcorp Genetics (formerly Invitae), Labcorp); PubMed 24938718 (cited by Labcorp Genetics (formerly Invitae), Labcorp); PubMed 25312043 (cited by Labcorp Genetics (formerly Invitae), Labcorp); PubMed 26780318 (cited by Labcorp Genetics (formerly Invitae), Labcorp); PubMed 29555955 (cited by Labcorp Genetics (formerly Invitae), Labcorp and Institute of Human Genetics, Univ. Regensburg, Univ. Regensburg); PubMed 29925512 (cited by Labcorp Genetics (formerly Invitae), Labcorp and Institute of Human Genetics, Univ. Regensburg, Univ. Regensburg); PubMed 10090887 (cited by Institute of Human Genetics, Univ. Regensburg, Univ. Regensburg); PubMed 25283059 (cited by Institute of Human Genetics, Univ. Regensburg, Univ. Regensburg); PubMed 30204727 (cited by Institute of Human Genetics, Univ. Regensburg, Univ. Regensburg); PubMed 31964843 (cited by Institute of Human Genetics, Univ. Regensburg, Univ. Regensburg); PubMed 32531858 (cited by Institute of Human Genetics, Univ. Regensburg, Univ. Regensburg).